The following is an entry in ClinVar:

NM_152703.5(SAMD9L):c.2698T>C (p.Tyr900His)

Gene: SAMD9L (sterile alpha motif domain containing 9 like; minus strand). Cytogenetic location: 7q21.2.
Variant type: single nucleotide variant.
Coding change: c.2698T>C on transcript NM_152703.5 (MANE Select); coding-DNA position 2698, T replaced by C.
Protein change: p.Tyr900His; replaces tyrosine 900 with histidine.
Molecular consequence: missense variant.
Genome position (GRCh38, 1-based): chr7:93,133,274, A>G on the plus strand (T>C on the coding strand, the complement: SAMD9L is on the minus strand). VCF-style: chr7-93133274-A-G. GRCh37 (hg19) VCF-style: chr7-92762587-A-G.
Other names: c.2698T>C, p.Tyr900His (NM_001303496.3, NM_001303497.3, NM_001303498.3 and 5 more transcripts); c.2698T>C (NM_152703.3, NM_152703.2); short protein forms Y900H.
Identifiers: ClinVar variation 1991123 (VCV001991123.6), dbSNP rs1792227987, ClinGen allele CA368186601.
Genomic context (GRCh38, chr7:93,133,274, plus strand): 5'-GTGCTTCCTTGCTGTCAACATCCTGTCCTTTTAGGATATTCCTGACTACATTTTCTATAT[A>G]TGTTTCATCAAAATTGCTTTTCATGATCATGAAGGAATAAAAGTTTTCACAGTTCTTGTG-3'
Protein context (NP_689916.2, residues 890-910): MIMKSNFDET[Tyr900His]IENVVRNILK

ClinVar aggregate classification (germline): Uncertain significance. Review status: criteria provided, multiple submitters, no conflicts (2 of 4 stars). 3 submissions from 3 submitters: Uncertain significance (3). Last evaluated 2025-08-08.

Conditions:
Inborn genetic diseases. Identifiers: MedGen C0950123, MeSH D030342.

Allele frequency attached by ClinVar (database versions not stated): TOPMed below 0.00001.

Submissions (3):

Ambry Genetics
Classification: Uncertain significance for Inborn genetic diseases. Last evaluated: 2025-08-08. Review status: criteria provided, single submitter. Criteria: Ambry Variant Classification Scheme 2023. Collection method: clinical testing. Allele origin: germline.
Comment: The p.Y900H variant (also known as c.2698T>C), located in coding exon 1 of the SAMD9L gene, results from a T to C substitution at nucleotide position 2698. The tyrosine at codon 900 is replaced by histidine, an amino acid with similar properties. This amino acid position is conserved. In addition, the in silico prediction for this alteration is inconclusive. Based on the available evidence, the clinical significance of this variant remains unclear.

GeneDx
Classification: Uncertain significance. Last evaluated: 2024-01-18. Review status: criteria provided, single submitter. Criteria: GeneDx Variant Classification Process June 2021. Collection method: clinical testing. Allele origin: germline. Affected: yes.
Comment: Not observed at significant frequency in large population cohorts (gnomAD); In silico analysis supports that this missense variant has a deleterious effect on protein structure/function; Has not been previously published as pathogenic or benign to our knowledge; This variant is associated with the following publications: (PMID: 28545555)

Labcorp Genetics (formerly Invitae), Labcorp
Classification: Uncertain significance. Last evaluated: 2022-06-09. Review status: criteria provided, single submitter. Criteria: Invitae Variant Classification Sherloc (09022015). Collection method: clinical testing. Allele origin: germline.
Comment: In summary, the available evidence is currently insufficient to determine the role of this variant in disease. Therefore, it has been classified as a Variant of Uncertain Significance. Algorithms developed to predict the effect of missense changes on protein structure and function are either unavailable or do not agree on the potential impact of this missense change (SIFT: "Not Available"; PolyPhen-2: "Probably Damaging"; Align-GVGD: "Not Available"). This variant has not been reported in the literature in individuals affected with SAMD9L-related conditions. This variant is not present in population databases (gnomAD no frequency). This sequence change replaces tyrosine, which is neutral and polar, with histidine, which is basic and polar, at codon 900 of the SAMD9L protein (p.Tyr900His).